The following is an entry in ClinVar:

NM_032776.3(JMJD1C):c.4754A>G (p.Asn1585Ser)

Gene: JMJD1C (jumonji domain containing 1C; minus strand). Cytogenetic location: 10q21.3.
Variant type: single nucleotide variant.
Coding change: c.4754A>G on transcript NM_032776.3 (MANE Select); coding-DNA position 4754, A replaced by G.
Protein change: p.Asn1585Ser; replaces asparagine 1585 with serine.
Molecular consequence: missense variant. On other transcripts: non-coding transcript variant (1).
Genome position (GRCh38, 1-based): chr10:63,206,915, T>C on the plus strand (A>G on the coding strand, the complement: JMJD1C is on the minus strand). VCF-style: chr10-63206915-T-C. GRCh37 (hg19) VCF-style: chr10-64966675-T-C.
Other names: c.4640A>G, p.Asn1547Ser (NM_001322252.2); c.4097A>G, p.Asn1366Ser (NM_001322254.2, NM_001322258.2); c.4208A>G, p.Asn1403Ser (NM_001282948.2, NM_001318154.2); c.3890A>G, p.Asn1297Ser (NM_001318153.2); short protein forms N1297S, N1585S, N1547S, N1366S, N1403S.
Identifiers: ClinVar variation 1034605 (VCV001034605.8), dbSNP rs752446740, ClinGen allele CA5518217.

ClinVar aggregate classification (germline): Uncertain significance (1 of 4 stars; one submission).

Conditions:
Early Myoclonic Encephalopathy. Identifiers: MedGen C0270855.

Allele frequency attached by ClinVar (database versions not stated): TOPMed 0.00003; gnomAD exomes 0.00001 and below 0.00001; gnomAD 0.00003; ExAC 0.00002.
gnomAD v4.1: 8 of 1,610,906 alleles (0.0005%); highest among the groups gnomAD compares: African/African-American, 0.0067%; no homozygotes.

Submission:

Labcorp Genetics (formerly Invitae), Labcorp
Classification: Uncertain significance for Early Myoclonic Encephalopathy. Last evaluated: 2022-03-23. Review status: criteria provided, single submitter. Criteria: Invitae Variant Classification Sherloc (09022015). Collection method: clinical testing. Allele origin: germline.
Comment: In summary, the available evidence is currently insufficient to determine the role of this variant in disease. Therefore, it has been classified as a Variant of Uncertain Significance. Algorithms developed to predict the effect of sequence changes on RNA splicing suggest that this variant may create or strengthen a splice site. Algorithms developed to predict the effect of missense changes on protein structure and function are either unavailable or do not agree on the potential impact of this missense change (SIFT: "Deleterious"; PolyPhen-2: "Probably Damaging"; Align-GVGD: "Class C0"). ClinVar contains an entry for this variant (Variation ID: 1034605). This variant has not been reported in the literature in individuals affected with JMJD1C-related conditions. This variant is present in population databases (rs752446740, gnomAD 0.007%). This sequence change replaces asparagine, which is neutral and polar, with serine, which is neutral and polar, at codon 1585 of the JMJD1C protein (p.Asn1585Ser).